The following is an entry in ClinVar:

ClinVar aggregate classification (germline): Benign/Likely benign. Review status: criteria provided, multiple submitters, no conflicts (2 of 4 stars). 3 submissions from 3 submitters: Benign (1); Likely benign (1). 1 of the submissions does not count toward it. Last evaluated 2025-11-28.

Conditions:
KANK2-related disorder. Also called: KANK2-related condition.

Allele frequency attached by ClinVar (database versions not stated): gnomAD exomes 0.00009; gnomAD 0.00011; TOPMed 0.00018; ExAC 0.00039; 1000 Genomes Project 0.00080; 1000 Genomes Project 30x 0.00094.
gnomAD v4.1: 165 of 1,535,776 alleles (0.011%); highest among the groups gnomAD compares: East Asian, 0.26%; 2 homozygotes.

Submissions (3):

Labcorp Genetics (formerly Invitae), Labcorp
Classification: Benign. Last evaluated: 2025-11-28. Review status: criteria provided, single submitter. Criteria: Invitae Variant Classification Sherloc (09022015). Collection method: clinical testing. Allele origin: germline.

Blueprint Genetics
Classification: Likely benign. Last evaluated: 2024-11-08. Review status: criteria provided, single submitter. Criteria: ACMG Guidelines, 2015. Collection method: clinical testing. Allele origin: germline.

PreventionGenetics, part of Exact Sciences
Classification: Likely benign for KANK2-related condition. Last evaluated: 2020-02-10. Review status: no assertion criteria provided. Collection method: clinical testing. Allele origin: germline. Not counted in ClinVar's aggregate classification.
Comment: This variant is classified as likely benign based on ACMG/AMP sequence variant interpretation guidelines (Richards et al. 2015 PMID: 25741868, with internal and published modifications).

NM_001136191.3(KANK2):c.1275G>A (p.Ser425=)

Gene: KANK2 (KN motif and ankyrin repeat domains 2; minus strand). Cytogenetic location: 19p13.2.
Variant type: single nucleotide variant.
Coding change: c.1275G>A on transcript NM_001136191.3 (MANE Select); coding-DNA position 1275, G replaced by A.
Protein change: p.Ser425=; no amino-acid change (serine 425 retained).
Molecular consequence: synonymous variant.
Genome position (GRCh38, 1-based): chr19:11,178,695, C>T on the plus strand (G>A on the coding strand, the complement: KANK2 is on the minus strand). VCF-style: chr19-11178695-C-T. GRCh37 (hg19) VCF-style: chr19-11289371-C-T.
Other names: c.1275G>A (NM_015493.6); c.1275G>A, p.Ser425= (NM_001379550.1, NM_001379551.1, NM_001379552.1 and 15 more transcripts).
Identifiers: ClinVar variation 2724574 (VCV002724574.6), dbSNP rs184654720, ClinGen allele CA9205744.